The following is an entry in ClinVar:

NC_000016.9:g.(?_89211655)_(89220615_?)dup

Gene: ACSF3 (acyl-CoA synthetase family member 3; plus strand). Cytogenetic location: 16q24.3.
Variant type: Duplication.
Identifiers: ClinVar variation 1412904 (VCV001412904.4).

ClinVar aggregate classification (germline): Uncertain significance (1 of 4 stars; one submission).

Conditions:
Combined malonic and methylmalonic acidemia. Identifiers: Orphanet 289504, MedGen C3280314, MONDO:0013661, OMIM 614265.

Submission:

Labcorp Genetics (formerly Invitae), Labcorp
Classification: Uncertain significance for Combined malonic and methylmalonic acidemia. Last evaluated: 2022-07-08. Review status: criteria provided, single submitter. Criteria: Invitae Variant Classification Sherloc (09022015). Collection method: clinical testing. Allele origin: germline.
Comment: This variant results in a copy number gain of the genomic region encompassing exon(s) 9-11 of the ACSF3 gene. This region includes the termination codon of the gene. This copy number gain extends beyond the assayed region for this gene and therefore may encompass additional genes. As the precise location of this event is unknown, it may be in tandem or it may be located elsewhere in the genome. This variant has not been reported in the literature in individuals affected with ACSF3-related conditions. In summary, the available evidence is currently insufficient to determine the role of this variant in disease. Therefore, it has been classified as a Variant of Uncertain Significance.